The following is an entry in ClinVar:

ClinVar aggregate classification (germline): Uncertain significance. Review status: criteria provided, multiple submitters, no conflicts (2 of 4 stars). 2 submissions from 2 submitters: Uncertain significance (2). Last evaluated 2024-12-03.

Conditions:
Fanconi anemia (FA). Also called: Fanconi's anemia. Identifiers: Orphanet 84, MedGen C0015625, MeSH D005199, MONDO:0019391.

Submissions (2):

GeneDx
Classification: Uncertain significance. Last evaluated: 2024-12-03. Review status: criteria provided, single submitter. Criteria: GeneDx Variant Classification Process June 2021. Collection method: clinical testing. Allele origin: germline. Affected: yes.
Comment: Not observed at significant frequency in large population cohorts (gnomAD); In silico analysis supports that this missense variant has a deleterious effect on protein structure/function; Has not been previously published as pathogenic or benign to our knowledge

Labcorp Genetics (formerly Invitae), Labcorp
Classification: Uncertain significance for Fanconi anemia. Last evaluated: 2020-12-21. Review status: criteria provided, single submitter. Criteria: Invitae Variant Classification Sherloc (09022015). Collection method: clinical testing. Allele origin: germline.
Comment: In summary, the available evidence is currently insufficient to determine the role of this variant in disease. Therefore, it has been classified as a Variant of Uncertain Significance. Algorithms developed to predict the effect of missense changes on protein structure and function are either unavailable or do not agree on the potential impact of this missense change (SIFT: "Tolerated"; PolyPhen-2: "Probably Damaging"; Align-GVGD: "Class C0"). This variant has not been reported in the literature in individuals with FANCG-related disease. This variant is not present in population databases (ExAC no frequency). This sequence change replaces threonine with isoleucine at codon 209 of the FANCG protein (p.Thr209Ile). The threonine residue is moderately conserved and there is a moderate physicochemical difference between threonine and isoleucine.

NM_004629.2(FANCG):c.626C>T (p.Thr209Ile)

Gene: FANCG (FA complementation group G; minus strand). Cytogenetic location: 9p13.3.
Variant type: single nucleotide variant.
Coding change: c.626C>T on transcript NM_004629.2 (MANE Select); coding-DNA position 626, C replaced by T.
Protein change: p.Thr209Ile; replaces threonine 209 with isoleucine.
Molecular consequence: missense variant.
Genome position (GRCh38, 1-based): chr9:35,077,284, G>A on the plus strand (C>T on the coding strand, the complement: FANCG is on the minus strand). VCF-style: chr9-35077284-G-A. GRCh37 (hg19) VCF-style: chr9-35077281-G-A.
Other names: c.626C>T (NM_004629.1); short protein forms T209I.
Identifiers: ClinVar variation 1523836 (VCV001523836.7), dbSNP rs1382724792, ClinGen allele CA373313933.
Genomic context (GRCh38, chr9:35,077,284, plus strand): 5'-CACTTAAAGGTAGAAGAGATGAGTCAGGTTGCTAGCTGACCTTGGCGGTAGGCAAATGCT[G>A]TCAGGAGGACATCCTTCAATCCCTGGGCATCCTGCAGGGTCAATGGAGCATCTAATTCCT-3'
Protein context (NP_004620.1, residues 199-219): DAQGLKDVLL[Thr209Ile]AFAYRQGLQE